The following is an entry in ClinVar:

NM_000238.4(KCNH2):c.1930G>T (p.Val644Phe)

Gene: KCNH2 (potassium voltage-gated channel subfamily H member 2; minus strand). Cytogenetic location: 7q36.1.
Variant type: single nucleotide variant.
Coding change: c.1930G>T on transcript NM_000238.4 (MANE Select); coding-DNA position 1930, G replaced by T.
Protein change: p.Val644Phe; replaces valine 644 with phenylalanine.
Molecular consequence: missense variant.
Genome position (GRCh38, 1-based): chr7:150,951,463, C>A on the plus strand (G>T on the coding strand, the complement: KCNH2 is on the minus strand). VCF-style: chr7-150951463-C-A. GRCh37 (hg19) VCF-style: chr7-150648551-C-A.
Other names: c.1930G>T (LRG_288t1); c.910G>T, p.Val304Phe (NM_001204798.2, NM_172057.3); c.1642G>T, p.Val548Phe (NM_001406753.1, NM_001406756.1); c.1753G>T, p.Val585Phe (NM_001406755.1); c.1630G>T, p.Val544Phe (NM_001406757.1); c.1930G>T, p.Val644Phe (NM_172056.3); short protein forms V304F, V644F, V544F, V585F, V548F.
Identifiers: ClinVar variation 67340 (VCV000067340.8), dbSNP rs199472972, ClinGen allele CA006046.
Genomic context (GRCh38, chr7:150,951,463, plus strand): 5'-CTCCACCGTGGGCTCTCCCCGCCGCCCGCCCCTGGGCACACTCACAGCCAATGAGCATGA[C>A]GCAGATGGAGAAGATCTTCTCTGAGTTGGTGTTGGGAGAGACGTTGCCGAAGCCCACACT-3'
Protein context (NP_000229.1, residues 634-654): TNSEKIFSIC[Val644Phe]MLIGSLMYAS

ClinVar aggregate classification (germline): Uncertain significance. Review status: criteria provided, single submitter (1 of 4 stars). 2 submissions from 2 submitters: Uncertain significance (1). 1 of the submissions does not count toward it. Last evaluated 2025-10-26.

Conditions:
Familial long QT syndrome (RWS). Also called: Congenital long QT syndrome; Romano-Ward syndrome; VENTRICULAR FIBRILLATION WITH PROLONGED QT INTERVAL. Identifiers: Orphanet 768, MedGen C1141890, MONDO:0019171.
Long QT syndrome (LQTS). Identifiers: MedGen C0023976, MeSH D008133, MONDO:0002442. Disease mechanism: loss of function. Inheritance: Various modes of inheritance.

Submissions (2):

Labcorp Genetics (formerly Invitae), Labcorp
Classification: Uncertain significance for Long QT syndrome. Last evaluated: 2025-10-26. Review status: criteria provided, single submitter. Criteria: Invitae Variant Classification Sherloc (09022015). Collection method: clinical testing. Allele origin: germline.
Comment: This sequence change replaces valine, which is neutral and non-polar, with phenylalanine, which is neutral and non-polar, at codon 644 of the KCNH2 protein (p.Val644Phe). This variant is not present in population databases (gnomAD no frequency). This missense change has been observed in individual(s) with long QT syndrome (PMID: 16414944, 18441445, 19716085, 36861347). ClinVar contains an entry for this variant (Variation ID: 67340). An algorithm developed to predict the effect of missense changes on protein structure and function (PolyPhen-2) suggests that this variant is likely to be disruptive. Experimental studies have shown that this missense change affects KCNH2 function (PMID: 25417810). In summary, the available evidence is currently insufficient to determine the role of this variant in disease. Therefore, it has been classified as a Variant of Uncertain Significance.

Cardiovascular Biomedical Research Unit, Royal Brompton & Harefield NHS Foundation Trust
No classification provided. Condition: Familial long QT syndrome. Review status: no classification provided. Collection method: literature only. Allele origin: germline. Not counted in ClinVar's aggregate classification.
Comment: This variant has been reported as associated with Long QT syndrome in the following publications (PMID:16414944;PMID:19716085). This is a literature report, and does not necessarily reflect the clinical interpretation of the Imperial College / Royal Brompton Cardiovascular Genetics laboratory.

Literature cited by the submitters: PubMed 16414944 (cited by Labcorp Genetics (formerly Invitae), Labcorp and Cardiovascular Biomedical Research Unit, Royal Brompton & Harefield NHS Foundation Trust); PubMed 18441445 (cited by Labcorp Genetics (formerly Invitae), Labcorp); PubMed 19716085 (cited by Labcorp Genetics (formerly Invitae), Labcorp and Cardiovascular Biomedical Research Unit, Royal Brompton & Harefield NHS Foundation Trust); PubMed 36861347 (cited by Labcorp Genetics (formerly Invitae), Labcorp); PubMed 25417810 (cited by Labcorp Genetics (formerly Invitae), Labcorp); PubMed 22581653 (cited by Cardiovascular Biomedical Research Unit, Royal Brompton & Harefield NHS Foundation Trust).